The following is an entry in ClinVar:

ClinVar aggregate classification (germline): Benign. Review status: criteria provided, multiple submitters, no conflicts (2 of 4 stars). 3 submissions from 3 submitters: Benign (3). Last evaluated 2024-01-24.

Allele frequency attached by ClinVar (database versions not stated): 1000 Genomes Project 30x 0.35728; 1000 Genomes Project 0.36062; TOPMed 0.43854; gnomAD 0.45092 and 0.45385.
gnomAD v4.1: 506,072 of 1,038,996 alleles (49%); highest among the groups gnomAD compares: Non-Finnish European, 53%; 130,056 homozygotes.

Submissions (3):

Unidad de Genómica Garrahan, Hospital de Pediatría Garrahan
Classification: Benign. Last evaluated: 2024-01-24. Review status: criteria provided, single submitter. Criteria: ACMG Guidelines, 2015. Collection method: clinical testing. Allele origin: germline. Affected: no. Observed: 58 variant alleles.
Comment: This variant is classified as Benign based on local population frequency. This variant was detected in 66% of patients studied by a panel of primary immunodeficiencies. Number of patients: 58. Only high quality variants are reported.

GeneDx
Classification: Benign. Last evaluated: 2018-11-12. Review status: criteria provided, single submitter. Criteria: GeneDx Variant Classification Process June 2021. Collection method: clinical testing. Allele origin: germline. Affected: yes.

Breakthrough Genomics
Classification: Benign. Review status: criteria provided, single submitter. Criteria: ACMG Guidelines, 2015. Collection method: not provided. Allele origin: germline. Inheritance: Autosomal recessive inheritance. Affected: yes.

NM_005534.4(IFNGR2):c.207-81C>T

Gene: IFNGR2 (interferon gamma receptor 2; plus strand). Cytogenetic location: 21q22.11.
Variant type: single nucleotide variant.
Coding change: c.207-81C>T on transcript NM_005534.4 (MANE Select); 81 bases into the intron before coding-DNA position 207, C replaced by T.
Molecular consequence: intron variant.
Genome position (GRCh38, 1-based): chr21:33,421,399, C>T. VCF-style: chr21-33421399-C-T. GRCh37 (hg19) VCF-style: chr21-34793706-C-T.
Other names: c.264-81C>T (NM_001329128.2).
Identifiers: ClinVar variation 1243019 (VCV001243019.5), dbSNP rs2834214, ClinGen allele CA14895024.
Genomic context (GRCh38, chr21:33,421,399, plus strand): 5'-AAAAAAAAAAAAGCGGGGGGGAACTGTATGGTACATATAAATTGTATCTCAATAAACCTG[C>T]GTTTTGAACAAAAGCTCTGGGGAAACTATTACACATGAAACAGAGAATTCTGTGAATTGA-3'